The following is an entry in ClinVar:

ClinVar aggregate classification (germline): Uncertain significance (1 of 4 stars; one submission).

Conditions:
SON-related disorder. Also called: SON-related condition.

Allele frequency attached by ClinVar (database versions not stated): gnomAD 0.00002.
gnomAD v4.1: 4 of 1,613,836 alleles (0.00025%); highest among the groups gnomAD compares: Admixed American, 0.005%; 1 homozygote.

Submission:

PreventionGenetics, part of Exact Sciences
Classification: Uncertain significance for SON-related condition. Last evaluated: 2023-02-15. Review status: criteria provided, single submitter. Criteria: ACMG Guidelines, 2015. Collection method: clinical testing. Allele origin: germline.
Comment: The SON c.5729G>T variant is predicted to result in the amino acid substitution p.Ser1910Ile. To our knowledge, this variant has not been reported in the literature or in a large population database, indicating this variant is rare. At this time, the clinical significance of this variant is uncertain due to the absence of conclusive functional and genetic evidence.

NM_138927.4(SON):c.5729G>T (p.Ser1910Ile)

Gene: SON (SON DNA and RNA binding protein; plus strand). Cytogenetic location: 21q22.11.
Variant type: single nucleotide variant.
Coding change: c.5729G>T on transcript NM_138927.4 (MANE Select); coding-DNA position 5729, G replaced by T.
Protein change: p.Ser1910Ile; replaces serine 1910 with isoleucine.
Molecular consequence: missense variant. On other transcripts: non-coding transcript variant (1), intron variant (1).
Genome position (GRCh38, 1-based): chr21:33,554,960, G>T. VCF-style: chr21-33554960-G-T. GRCh37 (hg19) VCF-style: chr21-34927266-G-T.
Other names: c.5729G>T, p.Ser1910Ile (NM_001291411.2, NM_001412133.1, NM_032195.3 and 2 more transcripts); c.245-2196G>T (NM_001291412.3); short protein forms S1910I.
Identifiers: ClinVar variation 2635588 (VCV002635588.1), dbSNP rs375695521, ClinGen allele CA320154683.